The following is an entry in ClinVar:

ClinVar aggregate classification (germline): Uncertain significance (1 of 4 stars; one submission).

Allele frequency attached by ClinVar (database versions not stated): gnomAD exomes below 0.00001; TOPMed below 0.00001.
gnomAD v4.1: 5 of 1,612,930 alleles (0.00031%); highest among the groups gnomAD compares: South Asian, 0.0011%; no homozygotes.

Submission:

Ambry Genetics
Classification: Uncertain significance. Last evaluated: 2022-02-02. Review status: criteria provided, single submitter. Criteria: Ambry Variant Classification Scheme 2023. Collection method: clinical testing. Allele origin: germline.
Comment: The p.G118R variant (also known as c.352G>A), located in coding exon 3 of the RECQL gene, results from a G to A substitution at nucleotide position 352. The glycine at codon 118 is replaced by arginine, an amino acid with dissimilar properties. This amino acid position is conserved. In addition, this alteration is predicted to be deleterious by in silico analysis. Since supporting evidence is limited at this time, the clinical significance of this alteration remains unclear.

NM_002907.4(RECQL):c.352G>A (p.Gly118Arg)

Gene: RECQL (RecQ like helicase; minus strand). Cytogenetic location: 12p12.1.
Variant type: single nucleotide variant.
Coding change: c.352G>A on transcript NM_002907.4 (MANE Select); coding-DNA position 352, G replaced by A.
Protein change: p.Gly118Arg; replaces glycine 118 with arginine.
Molecular consequence: missense variant.
Genome position (GRCh38, 1-based): chr12:21,490,241, C>T on the plus strand (G>A on the coding strand, the complement: RECQL is on the minus strand). VCF-style: chr12-21490241-C-T. GRCh37 (hg19) VCF-style: chr12-21643175-C-T.
Other names: c.352G>A, p.Gly118Arg (NM_032941.3); short protein forms G118R.
Identifiers: ClinVar variation 1732353 (VCV001732353.2), dbSNP rs1425899265, ClinGen allele CA384132437.